The following is an entry in ClinVar:

NM_001013838.3(CARMIL2):c.1184G>A (p.Gly395Asp)

Gene: CARMIL2 (capping protein regulator and myosin 1 linker 2; plus strand). Cytogenetic location: 16q22.1.
Variant type: single nucleotide variant.
Coding change: c.1184G>A on transcript NM_001013838.3 (MANE Select); coding-DNA position 1184, G replaced by A.
Protein change: p.Gly395Asp; replaces glycine 395 with aspartic acid.
Molecular consequence: missense variant. On other transcripts: intron variant (1).
Genome position (GRCh38, 1-based): chr16:67,648,164, G>A. VCF-style: chr16-67648164-G-A. GRCh37 (hg19) VCF-style: chr16-67682067-G-A.
Other names: c.1149+35G>A (NM_001317026.3); short protein forms G395D.
Identifiers: ClinVar variation 1962744 (VCV001962744.5), dbSNP rs1334240072, ClinGen allele CA396335221.

ClinVar aggregate classification (germline): Uncertain significance (1 of 4 stars; one submission).

gnomAD v4.1: 3 of 1,610,992 alleles (0.00019%); highest among the groups gnomAD compares: Non-Finnish European, 0.000085%; no homozygotes.

Submission:

Labcorp Genetics (formerly Invitae), Labcorp
Classification: Uncertain significance. Last evaluated: 2022-06-18. Review status: criteria provided, single submitter. Criteria: Invitae Variant Classification Sherloc (09022015). Collection method: clinical testing. Allele origin: germline.
Comment: This variant has not been reported in the literature in individuals affected with CARMIL2-related conditions. Algorithms developed to predict the effect of missense changes on protein structure and function output the following: SIFT: "Tolerated"; PolyPhen-2: "Benign"; Align-GVGD: "Class C0". The aspartic acid amino acid residue is found in multiple mammalian species, which suggests that this missense change does not adversely affect protein function. In summary, the available evidence is currently insufficient to determine the role of this variant in disease. Therefore, it has been classified as a Variant of Uncertain Significance. This sequence change replaces glycine, which is neutral and non-polar, with aspartic acid, which is acidic and polar, at codon 395 of the CARMIL2 protein (p.Gly395Asp). The frequency data for this variant in the population databases is considered unreliable, as metrics indicate poor data quality at this position in the gnomAD database.